The following is an entry in ClinVar:

NM_007294.3(BRCA1):c.*4271T>A

Gene: BRCA1 (BRCA1 DNA repair associated; minus strand). Cytogenetic location: 17q21.31.
Variant type: single nucleotide variant.
Coding change: c.*4271T>A on transcript NM_007294.3; 4271 bases downstream of the stop codon, T replaced by A.
Genome position (GRCh38, 1-based): chr17:43,041,407, A>T on the plus strand (T>A on the coding strand, the complement: BRCA1 is on the minus strand). VCF-style: chr17-43041407-A-T. GRCh37 (hg19) VCF-style: chr17-41193424-A-T.
Other names: 9982 T>A.
Identifiers: ClinVar variation 209224 (VCV000209224.3), dbSNP rs13342026, ClinGen allele CA276200.

ClinVar aggregate classification (germline): Benign (3 of 4 stars; one submission).

Conditions:
Breast-ovarian cancer, familial, susceptibility to, 1 (BROVCA1). Also called: OVARIAN CANCER, SUSCEPTIBILITY TO; BRCA1 Hereditary Breast and Ovarian Cancer. Identifiers: Orphanet 145, MedGen C2676676, MONDO:0011450, OMIM 604370. Disease mechanism: loss of function.

Allele frequency attached by ClinVar (database versions not stated): gnomAD 0.01486 and 0.01575; 1000 Genomes Project 0.01817; 1000 Genomes Project 30x 0.01952; TOPMed 0.01720.

Submission:

Evidence-based Network for the Interpretation of Germline Mutant Alleles (ENIGMA)
Classification: Benign for Breast-ovarian cancer, familial 1. Last evaluated: 2015-01-12. Review status: reviewed by expert panel. Criteria: ENIGMA BRCA1/2 Classification Criteria (2015). Collection method: curation. Allele origin: germline.
Comment: Class 1 not pathogenic based on frequency >1% in an outbred sampleset. Frequency 0.05 (African), derived from 1000 genomes (2012-04-30).